The following is an entry in ClinVar:

NM_001378120.1(MBD5):c.4088T>C (p.Ile1363Thr)

Gene: MBD5 (methyl-CpG binding domain protein 5; plus strand). Cytogenetic location: 2q23.1.
Variant type: single nucleotide variant.
Coding change: c.4088T>C on transcript NM_001378120.1 (MANE Select); coding-DNA position 4088, T replaced by C.
Protein change: p.Ile1363Thr; replaces isoleucine 1363 with threonine.
Molecular consequence: missense variant.
Genome position (GRCh38, 1-based): chr2:148,489,720, T>C. VCF-style: chr2-148489720-T-C. GRCh37 (hg19) VCF-style: chr2-149247289-T-C.
Other names: c.3389T>C, p.Ile1130Thr (NM_018328.5); short protein forms I1130T, I1363T.
Identifiers: ClinVar variation 452274 (VCV000452274.18), dbSNP rs748142226, ClinGen allele CA1900375.

ClinVar aggregate classification (germline): Conflicting classifications of pathogenicity. Review status: criteria provided, conflicting classifications (1 of 4 stars). 4 submissions from 4 submitters: Uncertain significance (1); Likely benign (3). Last evaluated 2025-12-11.

Conditions:
Intellectual developmental disorder, autosomal dominant 1. Also called: MBD5 Haploinsufficiency; Intellectual disability, autosomal dominant 1. Identifiers: Orphanet 228402, MedGen C1969562, MONDO:0007974, OMIM 156200.
Inborn genetic diseases. Identifiers: MedGen C0950123, MeSH D030342.

Allele frequency attached by ClinVar (database versions not stated): ExAC 0.00001; gnomAD exomes 0.00004 and 0.00002; TOPMed 0.00001.
gnomAD v4.1: 44 of 1,614,052 alleles (0.0027%); highest among the groups gnomAD compares: Non-Finnish European, 0.0025%; no homozygotes.

Submissions (4):

Labcorp Genetics (formerly Invitae), Labcorp
Classification: Likely benign for Intellectual developmental disorder, autosomal dominant 1. Last evaluated: 2025-12-11. Review status: criteria provided, single submitter. Criteria: Invitae Variant Classification Sherloc (09022015). Collection method: clinical testing. Allele origin: germline.

Ambry Genetics
Classification: Likely benign for Inborn genetic diseases. Last evaluated: 2024-11-08. Review status: criteria provided, single submitter. Criteria: Ambry Variant Classification Scheme 2023. Collection method: clinical testing. Allele origin: germline.

Baylor Genetics
Classification: Uncertain significance for Intellectual developmental disorder, autosomal dominant 1. Last evaluated: 2019-02-21. Review status: criteria provided, single submitter. Criteria: ACMG Guidelines, 2015. Collection method: clinical testing. Allele origin: unknown. Affected: yes.
Comment: This variant was determined to be of uncertain significance according to ACMG Guidelines, 2015 [PMID:25741868].

GeneDx
Classification: Likely benign. Last evaluated: 2018-03-29. Review status: criteria provided, single submitter. Criteria: GeneDx Variant Classification Process June 2021. Collection method: clinical testing. Allele origin: germline. Affected: yes.